The following is an entry in ClinVar:

NM_016222.4(DDX41):c.1496dup (p.Ala500fs)

Gene: DDX41 (DEAD-box helicase 41; minus strand). Cytogenetic location: 5q35.3.
Variant type: Duplication.
Coding change: c.1496dup on transcript NM_016222.4 (MANE Select); coding-DNA position 1496, one base duplicated (C; older notation c.1496dupC).
Protein change: p.Ala500fs; shifts the reading frame from alanine 500.
Molecular consequence: frameshift variant.
Genome position (GRCh38, 1-based): chr5:177,512,549, G duplicated on the plus strand (C on the coding strand, the reverse complement: DDX41 is on the minus strand); the first of 3 consecutive G bases (chr5:177,512,549-177,512,551); duplicating any one gives the same sequence. VCF-style (leftmost placement, unchanged base first): chr5-177512548-A-AG. GRCh37 (hg19) VCF-style: chr5-176939549-A-AG.
Other names: c.1118dup, p.Ala374fs (NM_001321732.2, NM_001321830.2); c.1496dupC (NM_016222.2, NM_016222.4); short protein forms A374fs, A500fs.
Identifiers: ClinVar variation 1312513 (VCV001312513.14), dbSNP rs753425379, ClinGen allele CA3584730.

ClinVar aggregate classification (germline): Pathogenic. Review status: criteria provided, multiple submitters, no conflicts (2 of 4 stars). 7 submissions from 7 submitters: Pathogenic (6). 1 of the submissions does not count toward it. Last evaluated 2025-10-06.

Conditions:
Inborn genetic diseases. Identifiers: MedGen C0950123, MeSH D030342.
DDX41-related hematologic malignancy predisposition syndrome. Also called: Myeloproliferative/lymphoproliferative neoplasms, familial (multiple types), susceptibility to; DDX41-Associated Familial Myelodysplastic Syndrome and Acute Myeloid Leukemia. Identifiers: Orphanet 488647, MedGen C4225174, MONDO:0014809, OMIM 616871.
DDX41-related disorders.

Submissions (7):

Ambry Genetics
Classification: Pathogenic for Inborn genetic diseases. Last evaluated: 2025-10-06. Review status: criteria provided, single submitter. Criteria: Ambry Variant Classification Scheme 2023. Collection method: clinical testing. Allele origin: germline.
Comment: The c.1496dupC pathogenic mutation, located in coding exon 14 of the DDX41 gene, results from a duplication of C at nucleotide position 1496, causing a translational frameshift with a predicted alternate stop codon (p.A500Cfs*9). This alteration is expected to result in loss of function by premature protein truncation or nonsense-mediated mRNA decay. As such, this alteration is interpreted as a disease-causing mutation.

Labcorp Genetics (formerly Invitae), Labcorp
Classification: Pathogenic. Last evaluated: 2025-08-13. Review status: criteria provided, single submitter. Criteria: Invitae Variant Classification Sherloc (09022015). Collection method: clinical testing. Allele origin: germline.
Comment: This sequence change creates a premature translational stop signal (p.Ala500Cysfs*9) in the DDX41 gene. It is expected to result in an absent or disrupted protein product. Loss-of-function variants in DDX41 are known to be pathogenic (PMID: 26712909, 27133828). This variant is present in population databases (rs777731451, gnomAD 0.006%). This premature translational stop signal has been observed in individual(s) with idiopathic cytopenia (PMID: 33626862). ClinVar contains an entry for this variant (Variation ID: 1312513). For these reasons, this variant has been classified as Pathogenic.

GeneDx
Classification: Pathogenic. Last evaluated: 2025-05-05. Review status: criteria provided, single submitter. Criteria: GeneDx Variant Classification Process June 2021. Collection method: clinical testing. Allele origin: germline. Affected: yes.
Comment: Frameshift variant predicted to result in protein truncation or nonsense mediated decay in a gene for which loss of function is a known mechanism of disease; Not observed at significant frequency in large population cohorts (gnomAD); Also known as c.1494_1495insC; p.F498fs; This variant is associated with the following publications: (PMID: 28194039, 38485837, 35671390, 34298596, 32868804, 33626862, 36455200, 39945023)

Blueprint Genetics
Classification: Pathogenic for DDX41-related disorders. Last evaluated: 2021-01-15. Review status: criteria provided, single submitter. Criteria: ACMG Guidelines, 2015. Collection method: clinical testing. Allele origin: germline. Affected: yes. Observed: 2 variant alleles.

Genetic Services Laboratory, University of Chicago
Classification: Pathogenic. Last evaluated: 2019-12-10. Review status: criteria provided, single submitter. Criteria: ACMG Guidelines, 2015. Collection method: clinical testing. Allele origin: germline. Affected: yes.
Comment: DNA sequence analysis of the DDX41 gene demonstrated a 1 base pair duplication in exon 14, c.1496dup. This sequence change is predicted to result in a frameshift and premature stop codon, p.Ala500Cysfs*9. The p.Ala500Cysfs*9 variant has previously been identified as a recurrent germline pathogenic variant in MDS/acute leukemia patients of Asian descent (Blood 2015, 126:2843, abstract; and reviewed by Cheah et al, Int. J. Hematol. 2017, 106:163-174). This variant has also been described in a patient with MDS/acute leukemia with a positive family history together with the common p.R525H somatic variant (PMID: 28194039). This variant has been observed in 2 east Asian individuals in the gnomAD database. Truncating variants, both upstream and downstream of this variant, have been described in patients with MDS/acute leukemia.

Juno Genomics, Hangzhou Juno Genomics, Inc
Classification: Pathogenic for DDX41-related hematologic malignancy predisposition syndrome. Review status: criteria provided, single submitter. Criteria: ACMG Guidelines, 2015. Collection method: clinical testing. Allele origin: germline.
Comment: Absent from controls (or at extremely low frequency if recessive) in Genome Aggregation Database.;Null variant in a gene where loss of function (LOF) is a known mechanism of disease.;The prevalence of the variant in affected individuals is significantly increased compared to the prevalence in controls.

GeneReviews
No classification provided. Condition: DDX41-related hematologic malignancy predisposition syndrome. Review status: no classification provided. Collection method: literature only. Allele origin: germline. Not counted in ClinVar's aggregate classification.
Comment: Common recurrent germline variant in persons of Korean & Japanese ancestry [Choi et al 2021]

Literature cited by the submitters: PubMed 26712909 (cited by Labcorp Genetics (formerly Invitae), Labcorp); PubMed 27133828 (cited by Labcorp Genetics (formerly Invitae), Labcorp); PubMed 33626862 (cited by Labcorp Genetics (formerly Invitae), Labcorp and GeneReviews).